The following is an entry in ClinVar:

NM_000038.6(APC):c.753A>C (p.Glu251Asp)

Gene: APC (APC regulator of Wnt signaling pathway; plus strand). Cytogenetic location: 5q22.2.
Variant type: single nucleotide variant.
Coding change: c.753A>C on transcript NM_000038.6 (MANE Select); coding-DNA position 753, A replaced by C.
Protein change: p.Glu251Asp; replaces glutamic acid 251 with aspartic acid.
Molecular consequence: missense variant. On other transcripts: 5 prime UTR variant (4), non-coding transcript variant (2).
Genome position (GRCh38, 1-based): chr5:112,801,302, A>C. VCF-style: chr5-112801302-A-C. GRCh37 (hg19) VCF-style: chr5-112136999-A-C.
Other names: c.753A>C, p.Glu251Asp (NM_001127510.3, NM_001354895.2, NM_001354896.2 and 12 more transcripts); c.699A>C, p.Glu233Asp (NM_001127511.3); c.783A>C, p.Glu261Asp (NM_001354897.2, NM_001354902.2, NM_001407446.1); c.678A>C, p.Glu226Asp (NM_001354898.2, NM_001354904.2, NM_001407451.1); c.669A>C, p.Glu223Asp (NM_001354899.2, NM_001407452.1, NM_001407467.1 and 1 more transcripts); c.576A>C, p.Glu192Asp (NM_001354900.2, NM_001354901.2, NM_001354905.2 and 1 more transcripts); c.-283A>C (NM_001354906.2, NM_001407470.1, NM_001407471.1 and 1 more transcripts); short protein forms E233D, E226D, E261D, E251D, E192D, E223D.
Identifiers: ClinVar variation 2871771 (VCV002871771.3), dbSNP rs1554076143, ClinGen allele CA16022981.

ClinVar aggregate classification (germline): Uncertain significance (1 of 4 stars; one submission).

Conditions:
Familial adenomatous polyposis 1 (FAP1). Also called: FAMILIAL ADENOMATOUS POLYPOSIS 1, ATTENUATED; POLYPOSIS, ADENOMATOUS INTESTINAL. Identifiers: MedGen C2713442, MONDO:0021056, OMIM 175100. Disease mechanism: loss of function.

Submission:

Labcorp Genetics (formerly Invitae), Labcorp
Classification: Uncertain significance for Familial adenomatous polyposis 1. Last evaluated: 2023-11-05. Review status: criteria provided, single submitter. Criteria: Invitae Variant Classification Sherloc (09022015). Collection method: clinical testing. Allele origin: germline.
Comment: This sequence change replaces glutamic acid, which is acidic and polar, with aspartic acid, which is acidic and polar, at codon 251 of the APC protein (p.Glu251Asp). This variant is not present in population databases (gnomAD no frequency). This variant has not been reported in the literature in individuals affected with APC-related conditions. Advanced modeling of protein sequence and biophysical properties (such as structural, functional, and spatial information, amino acid conservation, physicochemical variation, residue mobility, and thermodynamic stability) performed at Invitae indicates that this missense variant is not expected to disrupt APC protein function with a negative predictive value of 95%. In summary, the available evidence is currently insufficient to determine the role of this variant in disease. Therefore, it has been classified as a Variant of Uncertain Significance.